The following is an entry in ClinVar:

ClinVar aggregate classification (germline): Likely benign. Review status: reviewed by expert panel (3 of 4 stars). 2 submissions from 2 submitters: Likely benign (1). 1 of the submissions does not count toward it. Last evaluated 2026-09-21.

Conditions:
Alexander disease (ALXDRD). Also called: Alexander's disease. Identifiers: Orphanet 58, MedGen C0270726, MONDO:0008752, OMIM 203450.

Allele frequency attached by ClinVar (database versions not stated): TOPMed below 0.00001; gnomAD 0.00001; ExAC 0.00002.
gnomAD v4.1: 23 of 1,612,902 alleles (0.0014%); highest among the groups gnomAD compares: Non-Finnish European, 0.0018%; no homozygotes.

Submissions (2):

ClinGen Leukodystrophy and Leukoencephalopathy Variant Curation Expert Panel, ClinGen
Classification: Likely benign for Alexander disease. Last evaluated: 2026-09-21. Review status: reviewed by expert panel. Criteria: ClinGen Leuko ACMG Specifications GFAP V1.0. Collection method: curation. Allele origin: germline. Inheritance: Autosomal dominant inheritance.
Comment: The c.146G>A variant in GFAP is a missense variant predicted to cause substitution of Arginine by Glutamine at amino acid 49 (p.Arg49Gln). The GrpMax filtering allele frequency in gnomAD v4.1.1 is 0.00001144 from the European (non-Finnish) genetic ancestry group (the lower threshold of the 95% CI of 21/1179248 alleles), which is higher than the ClinGen Leukodystrophy and Leukoencephalopathy VCEP threshold (>0.00001) for BS1, and therefore meets this criterion (BS1). There were no readily available publications noting cases, in vivo, or in vitro experiments. In summary, this variant meets the criteria to be classified as Likely Benign for Autosomal Dominant Alexander disease based on the ACMG/AMP criteria applied, as specified by the ClinGen Leukodystrophy and Leukoencephalopathy Expert Panel: BS1. ClinGen Leukodystrophy and Leukoencephalopathy Expert Panel Specifications to the ACMG/AMP Variant Interpretation Guidelines for GFAP Version 1.0.

Labcorp Genetics (formerly Invitae), Labcorp
Classification: Uncertain significance. Last evaluated: 2023-09-27. Review status: criteria provided, single submitter. Criteria: Invitae Variant Classification Sherloc (09022015). Collection method: clinical testing. Allele origin: germline. Not counted in ClinVar's aggregate classification.
Comment: In summary, the available evidence is currently insufficient to determine the role of this variant in disease. Therefore, it has been classified as a Variant of Uncertain Significance. Advanced modeling of protein sequence and biophysical properties (such as structural, functional, and spatial information, amino acid conservation, physicochemical variation, residue mobility, and thermodynamic stability) has been performed at Invitae for this missense variant, however the output from this modeling did not meet the statistical confidence thresholds required to predict the impact of this variant on GFAP protein function. ClinVar contains an entry for this variant (Variation ID: 1920000). This variant has not been reported in the literature in individuals affected with GFAP-related conditions. This variant is present in population databases (rs747417926, gnomAD 0.01%). This sequence change replaces arginine, which is basic and polar, with glutamine, which is neutral and polar, at codon 49 of the GFAP protein (p.Arg49Gln).

NM_002055.5(GFAP):c.146G>A (p.Arg49Gln)

Gene: GFAP (glial fibrillary acidic protein; minus strand). Cytogenetic location: 17q21.31.
Variant type: single nucleotide variant.
Coding change: c.146G>A on transcript NM_002055.5 (MANE Select); coding-DNA position 146, G replaced by A.
Protein change: p.Arg49Gln; replaces arginine 49 with glutamine.
Molecular consequence: missense variant.
Genome position (GRCh38, 1-based): chr17:44,915,341, C>T on the plus strand (G>A on the coding strand, the complement: GFAP is on the minus strand). VCF-style: chr17-44915341-C-T. GRCh37 (hg19) VCF-style: chr17-42992709-C-T.
Other names: NM_002055.5(GFAP):c.146G>A; p.Arg49Gln; c.146G>A, p.Arg49Gln (NM_001131019.3, NM_001242376.3, NM_001363846.2); short protein forms R49Q.
Identifiers: ClinVar variation 1920000 (VCV001920000.6), dbSNP rs747417926, ClinGen allele CA8609090.